The following is an entry in ClinVar:

NM_006846.4(SPINK5):c.2965-46T>C

Gene: SPINK5 (serine peptidase inhibitor Kazal type 5; plus strand). Cytogenetic location: 5q32.
Variant type: single nucleotide variant.
Coding change: c.2965-46T>C on transcript NM_006846.4 (MANE Select); 46 bases into the intron before coding-DNA position 2965, T replaced by C.
Molecular consequence: intron variant.
Genome position (GRCh38, 1-based): chr5:148,131,213, T>C. VCF-style: chr5-148131213-T-C. GRCh37 (hg19) VCF-style: chr5-147510776-T-C.
Other names: c.3055-46T>C (NM_001127698.2).
Identifiers: ClinVar variation 1286021 (VCV001286021.3), dbSNP rs6895434, ClinGen allele CA3496200.

ClinVar aggregate classification (germline): Benign. Review status: criteria provided, multiple submitters, no conflicts (2 of 4 stars). 2 submissions from 2 submitters: Benign (2). Last evaluated 2024-01-24.

Allele frequency attached by ClinVar (database versions not stated): 1000 Genomes Project 0.50919; 1000 Genomes Project 30x 0.51015; TOPMed 0.55845; ESP Exome Variant Server 0.55953; gnomAD 0.56151 and 0.56266; ExAC 0.58875; gnomAD exomes 0.59859.
gnomAD v4.1: 972,528 of 1,609,996 alleles (60%); highest among the groups gnomAD compares: Admixed American, 71%; 297,878 homozygotes.

Submissions (2):

Unidad de Genómica Garrahan, Hospital de Pediatría Garrahan
Classification: Benign. Last evaluated: 2024-01-24. Review status: criteria provided, single submitter. Criteria: ACMG Guidelines, 2015. Collection method: clinical testing. Allele origin: germline. Affected: no. Observed: 80 variant alleles.
Comment: This variant is classified as Benign based on local population frequency. This variant was detected in 91% of patients studied by a panel of primary immunodeficiencies. Number of patients: 80. Only high quality variants are reported.

GeneDx
Classification: Benign. Last evaluated: 2015-03-03. Review status: criteria provided, single submitter. Criteria: GeneDx Variant Classification Process June 2021. Collection method: clinical testing. Allele origin: germline. Affected: yes.